The following is an entry in ClinVar:

ClinVar aggregate classification (germline): Uncertain significance. Review status: criteria provided, multiple submitters, no conflicts (2 of 4 stars). 3 submissions from 3 submitters: Uncertain significance (3). Last evaluated 2025-10-13.

Conditions:
Fanconi anemia (FA). Also called: Fanconi's anemia. Identifiers: Orphanet 84, MedGen C0015625, MeSH D005199, MONDO:0019391.
Fanconi anemia complementation group P. Also called: SLX4-Related Fanconi Anemia. Identifiers: Orphanet 84, MedGen C3469542, MONDO:0013499, OMIM 613951.

Allele frequency attached by ClinVar (database versions not stated): gnomAD exomes below 0.00001; ExAC 0.00001; gnomAD 0.00002; TOPMed 0.00003.
gnomAD v4.1: 5 of 1,610,126 alleles (0.00031%); highest among the groups gnomAD compares: African/African-American, 0.0053%; no homozygotes.

Submissions (3):

Labcorp Genetics (formerly Invitae), Labcorp
Classification: Uncertain significance for Fanconi anemia. Last evaluated: 2025-10-13. Review status: criteria provided, single submitter. Criteria: Invitae Variant Classification Sherloc (09022015). Collection method: clinical testing. Allele origin: germline.
Comment: This sequence change replaces serine, which is neutral and polar, with glycine, which is neutral and non-polar, at codon 1382 of the SLX4 protein (p.Ser1382Gly). This variant is present in population databases (rs767790750, gnomAD 0.008%). This variant has not been reported in the literature in individuals affected with SLX4-related conditions. ClinVar contains an entry for this variant (Variation ID: 855511). An algorithm developed to predict the effect of missense changes on protein structure and function outputs the following: PolyPhen-2: "Benign". The glycine amino acid residue is found in multiple mammalian species, which suggests that this missense change does not adversely affect protein function. In summary, the available evidence is currently insufficient to determine the role of this variant in disease. Therefore, it has been classified as a Variant of Uncertain Significance.

Fulgent Genetics
Classification: Uncertain significance for Fanconi anemia complementation group P. Last evaluated: 2024-01-04. Review status: criteria provided, single submitter. Criteria: ACMG Guidelines, 2015. Collection method: clinical testing. Allele origin: germline.

Breakthrough Genomics
Classification: Uncertain significance. Review status: criteria provided, single submitter. Criteria: ACMG Guidelines, 2015. Collection method: not provided. Allele origin: germline. Inheritance: Autosomal recessive inheritance. Affected: yes.

NM_032444.4(SLX4):c.4144A>G (p.Ser1382Gly)

Gene: SLX4 (SLX4 structure-specific endonuclease subunit; minus strand). Cytogenetic location: 16p13.3.
Variant type: single nucleotide variant.
Coding change: c.4144A>G on transcript NM_032444.4 (MANE Select); coding-DNA position 4144, A replaced by G.
Protein change: p.Ser1382Gly; replaces serine 1382 with glycine.
Molecular consequence: missense variant.
Genome position (GRCh38, 1-based): chr16:3,589,494, T>C on the plus strand (A>G on the coding strand, the complement: SLX4 is on the minus strand). VCF-style: chr16-3589494-T-C. GRCh37 (hg19) VCF-style: chr16-3639495-T-C.
Other names: short protein forms S1382G.
Identifiers: ClinVar variation 855511 (VCV000855511.14), dbSNP rs767790750, ClinGen allele CA7865719.